The following is an entry in ClinVar:

ClinVar aggregate classification (germline): Uncertain significance (1 of 4 stars; one submission).

Submission:

Ambry Genetics
Classification: Uncertain significance. Last evaluated: 2024-02-24. Review status: criteria provided, single submitter. Criteria: Ambry Variant Classification Scheme 2023. Collection method: clinical testing. Allele origin: germline.
Comment: The p.G1633E variant (also known as c.4898G>A), located in coding exon 16 of the POLQ gene, results from a G to A substitution at nucleotide position 4898. The glycine at codon 1633 is replaced by glutamic acid, an amino acid with similar properties. This amino acid position is conserved. In addition, this alteration is predicted to be tolerated by in silico analysis. Based on the available evidence, the clinical significance of this alteration remains unclear.

NM_199420.4(POLQ):c.4898G>A (p.Gly1633Glu)

Gene: POLQ (DNA polymerase theta; minus strand). Cytogenetic location: 3q13.33.
Variant type: single nucleotide variant.
Coding change: c.4898G>A on transcript NM_199420.4 (MANE Select); coding-DNA position 4898, G replaced by A.
Protein change: p.Gly1633Glu; replaces glycine 1633 with glutamic acid.
Molecular consequence: missense variant.
Genome position (GRCh38, 1-based): chr3:121,488,033, C>T on the plus strand (G>A on the coding strand, the complement: POLQ is on the minus strand). VCF-style: chr3-121488033-C-T. GRCh37 (hg19) VCF-style: chr3-121206880-C-T.
Other names: short protein forms G1633E.
Identifiers: ClinVar variation 3230023 (VCV003230023.1), dbSNP rs2546785396, ClinGen allele CA354093337.